The following is an entry in ClinVar:

NM_004046.6(ATP5F1A):c.641G>A (p.Arg214Gln)

Gene: ATP5F1A (ATP synthase F1 subunit alpha; minus strand). Cytogenetic location: 18q21.1.
Variant type: single nucleotide variant.
Coding change: c.641G>A on transcript NM_004046.6 (MANE Select); coding-DNA position 641, G replaced by A.
Protein change: p.Arg214Gln; replaces arginine 214 with glutamine.
Molecular consequence: missense variant.
Genome position (GRCh38, 1-based): chr18:46,089,575, C>T on the plus strand (G>A on the coding strand, the complement: ATP5F1A is on the minus strand). VCF-style: chr18-46089575-C-T. GRCh37 (hg19) VCF-style: chr18-43669541-C-T.
Other names: c.491G>A, p.Arg164Gln (NM_001001935.3, NM_001257335.2); c.641G>A, p.Arg214Gln (NM_001001937.2); c.575G>A, p.Arg192Gln (NM_001257334.2); c.641G>A (NM_001001937.1); short protein forms R192Q, R214Q, R164Q.
Identifiers: ClinVar variation 2000746 (VCV002000746.5), dbSNP rs2512309465, ClinGen allele CA402356999.
Genomic context (GRCh38, chr18:46,089,575, plus strand): 5'-TCCATTGAGCAAATTTTAGTTAGAACTTTTAATATGCTTTTGAGTCTTTACCCAGTCTGT[C>T]GGTCACCAATAATCAGTTCACGCTGACCACGACCAATTGGCACCAAGCTATCCACAGCCT-3'
Protein context (NP_004037.1, residues 204-224): RGQRELIIGD[Arg214Gln]QTGKTSIAID

ClinVar aggregate classification (germline): Uncertain significance. Review status: criteria provided, multiple submitters, no conflicts (2 of 4 stars). 2 submissions from 2 submitters: Uncertain significance (2). Last evaluated 2024-08-25.

Submissions (2):

GeneDx
Classification: Uncertain significance. Last evaluated: 2024-08-25. Review status: criteria provided, single submitter. Criteria: GeneDx Variant Classification Process June 2021. Collection method: clinical testing. Allele origin: germline. Affected: yes.
Comment: Has not been previously published as pathogenic or benign to our knowledge; Not observed at significant frequency in large population cohorts (gnomAD); In silico analysis supports that this missense variant has a deleterious effect on protein structure/function

Labcorp Genetics (formerly Invitae), Labcorp
Classification: Uncertain significance. Last evaluated: 2022-06-11. Review status: criteria provided, single submitter. Criteria: Invitae Variant Classification Sherloc (09022015). Collection method: clinical testing. Allele origin: germline.
Comment: In summary, the available evidence is currently insufficient to determine the role of this variant in disease. Therefore, it has been classified as a Variant of Uncertain Significance. Algorithms developed to predict the effect of missense changes on protein structure and function are either unavailable or do not agree on the potential impact of this missense change (SIFT: "Deleterious"; PolyPhen-2: "Probably Damaging"; Align-GVGD: "Class C0"). This variant has not been reported in the literature in individuals affected with ATP5A1-related conditions. This variant is not present in population databases (gnomAD no frequency). This sequence change replaces arginine, which is basic and polar, with glutamine, which is neutral and polar, at codon 214 of the ATP5A1 protein (p.Arg214Gln).